The following is an entry in ClinVar:

ClinVar aggregate classification (germline): Likely benign. Review status: criteria provided, multiple submitters, no conflicts (2 of 4 stars). 3 submissions from 3 submitters: Likely benign (3). Last evaluated 2025-08-01.

Conditions:
Hereditary cancer-predisposing syndrome. Also called: Hereditary neoplastic syndrome; Neoplastic Syndromes, Hereditary; Hereditary Cancer Syndrome; Tumor predisposition. Identifiers: Orphanet 140162, MedGen C0027672, MeSH D009386, MONDO:0015356.
Gorlin syndrome. Also called: Nevoid Basal Cell Carcinoma Syndrome; Basal cell nevus syndrome. Identifiers: Orphanet 377, MedGen C0004779, MONDO:0007187.

Allele frequency attached by ClinVar (database versions not stated): TOPMed below 0.00001; ExAC 0.00001; gnomAD exomes 0.00002.
gnomAD v4.1: 30 of 1,614,166 alleles (0.0019%); highest among the groups gnomAD compares: East Asian, 0.0067%; no homozygotes.

Submissions (3):

CeGaT Center for Human Genetics Tuebingen
Classification: Likely benign. Last evaluated: 2025-08-01. Review status: criteria provided, single submitter. Criteria: CeGaT Center For Human Genetics Tuebingen Variant Classification Criteria Version 2. Collection method: clinical testing. Allele origin: germline. Affected: yes. Observed: 1 variant allele.
Comment: PTCH1: BP4, BP7

Labcorp Genetics (formerly Invitae), Labcorp
Classification: Likely benign for Gorlin syndrome. Last evaluated: 2025-06-18. Review status: criteria provided, single submitter. Criteria: Invitae Variant Classification Sherloc (09022015). Collection method: clinical testing. Allele origin: germline.

Ambry Genetics
Classification: Likely benign for Hereditary cancer-predisposing syndrome. Last evaluated: 2017-03-28. Review status: criteria provided, single submitter. Criteria: Ambry Variant Classification Scheme 2023. Collection method: clinical testing. Allele origin: germline.

NM_000264.5(PTCH1):c.2067C>T (p.Pro689=)

Genes: PTCH1 (patched 1; minus strand), LOC100507346 (uncharacterized LOC100507346; plus strand). Cytogenetic location: 9q22.32.
Variant type: single nucleotide variant.
Coding change: c.2067C>T on transcript NM_000264.5 (MANE Select); coding-DNA position 2067, C replaced by T.
Protein change: p.Pro689=; no amino-acid change (proline 689 retained).
Molecular consequence: synonymous variant. On other transcripts: non-coding transcript variant (2).
Genome position (GRCh38, 1-based): chr9:95,468,934, G>A on the plus strand (C>T on the coding strand, the complement: PTCH1 is on the minus strand). VCF-style: chr9-95468934-G-A. GRCh37 (hg19) VCF-style: chr9-98231216-G-A.
Other names: c.1869C>T, p.Pro623= (NM_001083602.3); c.2064C>T, p.Pro688= (NM_001083603.3); c.1614C>T, p.Pro538= (NM_001083604.3, NM_001083605.3, NM_001083606.3 and 1 more transcripts); c.1911C>T, p.Pro637= (NM_001354918.2).
Identifiers: ClinVar variation 486166 (VCV000486166.24), dbSNP rs758799508, ClinGen allele CA5138453.
Genomic context (GRCh38, chr9:95,468,934, plus strand): 5'-CCTTGTGGAGCTGGTGCTCTCTGGGCTCTGGCAGCTGAGGGTGTCCTGTGTCACGGTGAC[G>A]GGCTGCACAGAGATCTCGGAGCGCGGCTCAGCGGTGGTGTAGTACACGTGCGTGTGGGGG-3'
Protein context (NP_000255.2, residues 679-699): AEPRSEISVQ[Pro689=]VTVTQDTLSC